The following is an entry in ClinVar:

ClinVar aggregate classification (germline): Uncertain significance. Review status: criteria provided, multiple submitters, no conflicts (2 of 4 stars). 2 submissions from 2 submitters: Uncertain significance (2). Last evaluated 2026-02-04.

Conditions:
Hereditary cancer-predisposing syndrome. Also called: Neoplastic Syndromes, Hereditary; Tumor predisposition; Hereditary neoplastic syndrome; Hereditary Cancer Syndrome. Identifiers: Orphanet 140162, MedGen C0027672, MeSH D009386, MONDO:0015356.
Mitochondrial complex II deficiency, nuclear type 1. Also called: SUCCINATE CoQ REDUCTASE DEFICIENCY. Identifiers: Orphanet 3208, MedGen C5700310, MONDO:0100294, OMIM 252011.
Pheochromocytoma/paraganglioma syndrome 5. Also called: Paragangliomas 5; SDHA-Related Hereditary Paraganglioma-Pheochromocytoma Syndrome. Identifiers: Orphanet 29072, MedGen C3279992, MONDO:0013602, OMIM 614165.

Submissions (2):

Ambry Genetics
Classification: Uncertain significance for Hereditary cancer-predisposing syndrome. Last evaluated: 2026-02-04. Review status: criteria provided, single submitter. Criteria: Ambry Variant Classification Scheme 2023. Collection method: clinical testing. Allele origin: germline.
Comment: The p.W558C variant (also known as c.1674G>T), located in coding exon 13 of the SDHA gene, results from a G to T substitution at nucleotide position 1674. The tryptophan at codon 558 is replaced by cysteine, an amino acid with highly dissimilar properties. This amino acid position is highly conserved in available vertebrate species. In addition, this alteration is predicted to be deleterious by in silico analysis. Based on the available evidence, the clinical significance of this variant remains unclear.

Labcorp Genetics (formerly Invitae), Labcorp
Classification: Uncertain significance for Pheochromocytoma/paraganglioma syndrome 5; Mitochondrial complex II deficiency, nuclear type 1. Last evaluated: 2025-11-19. Review status: criteria provided, single submitter. Criteria: Invitae Variant Classification Sherloc (09022015). Collection method: clinical testing. Allele origin: germline.
Comment: This sequence change replaces tryptophan, which is neutral and slightly polar, with cysteine, which is neutral and slightly polar, at codon 558 of the SDHA protein (p.Trp558Cys). This variant is not present in population databases (gnomAD no frequency). This variant has not been reported in the literature in individuals affected with SDHA-related conditions. ClinVar contains an entry for this variant (Variation ID: 581435). Invitae Evidence Modeling of protein sequence and biophysical properties (such as structural, functional, and spatial information, amino acid conservation, physicochemical variation, residue mobility, and thermodynamic stability) indicates that this missense variant is expected to disrupt SDHA protein function with a positive predictive value of 80%. In summary, the available evidence is currently insufficient to determine the role of this variant in disease. Therefore, it has been classified as a Variant of Uncertain Significance.

NM_004168.4(SDHA):c.1674G>T (p.Trp558Cys)

Gene: SDHA (succinate dehydrogenase complex flavoprotein subunit A; plus strand). Cytogenetic location: 5p15.33.
Variant type: single nucleotide variant.
Coding change: c.1674G>T on transcript NM_004168.4 (MANE Select); coding-DNA position 1674, G replaced by T.
Protein change: p.Trp558Cys; replaces tryptophan 558 with cysteine.
Molecular consequence: missense variant. On other transcripts: intron variant (1).
Genome position (GRCh38, 1-based): chr5:251,348, G>T. VCF-style: chr5-251348-G-T. GRCh37 (hg19) VCF-style: chr5-251463-G-T.
Other names: c.1530G>T, p.Trp510Cys (NM_001294332.2); c.1552-3045G>T (NM_001330758.2); short protein forms W558C, W510C.
Identifiers: ClinVar variation 581435 (VCV000581435.13), dbSNP rs1561010726, ClinGen allele CA358999877.
Genomic context (GRCh38, chr5:251,348, plus strand): 5'-CCATGTGACTGGGTCCCGCCTGCCCCTGATGGAACTTTTTGTGTCCCCAGGAATGGTCTG[G>T]AACACGGACCTGGTGGAGACCCTGGAGCTGCAGAACCTGATGCTGTGTGCGCTGCAGACC-3'
Protein context (NP_004159.2, residues 548-568): HLKTFDRGMV[Trp558Cys]NTDLVETLEL